The following is an entry in ClinVar:

NM_000701.8(ATP1A1):c.1010T>C (p.Leu337Pro)

Gene: ATP1A1 (ATPase Na+/K+ transporting subunit alpha 1; plus strand). Cytogenetic location: 1p13.1.
Variant type: single nucleotide variant.
Coding change: c.1010T>C on transcript NM_000701.8 (MANE Select); coding-DNA position 1010, T replaced by C.
Protein change: p.Leu337Pro; replaces leucine 337 with proline.
Molecular consequence: missense variant.
Genome position (GRCh38, 1-based): chr1:116,389,694, T>C. VCF-style: chr1-116389694-T-C. GRCh37 (hg19) VCF-style: chr1-116932316-T-C.
Other names: c.1010T>C, p.Leu337Pro (NM_001160233.2); c.917T>C, p.Leu306Pro (NM_001160234.2); short protein forms L306P, L337P.
Identifiers: ClinVar variation 4888220 (VCV004888220.1).

ClinVar aggregate classification (germline): Pathogenic (1 of 4 stars; one submission).

Submission:

GeneDx
Classification: Pathogenic. Last evaluated: 2026-02-06. Review status: criteria provided, single submitter. Criteria: GeneDx Variant Classification Process June 2021. Collection method: clinical testing. Allele origin: germline.
Comment: Published functional studies demonstrate altered cell survival (PMID: 31705535); In silico analysis supports that this missense variant has a deleterious effect on protein structure/function; Not observed at significant frequency in large population cohorts (gnomAD); This variant is associated with the following publications: (PMID: 35110381, 33968856, 31705535)